The following is an entry in ClinVar:

ClinVar aggregate classification (germline): Uncertain significance (1 of 4 stars; one submission).

Submission:

Ambry Genetics
Classification: Uncertain significance. Last evaluated: 2025-12-02. Review status: criteria provided, single submitter. Criteria: Ambry Variant Classification Scheme 2023. Collection method: clinical testing. Allele origin: germline.
Comment: The p.A1794T variant (also known as c.5380G>A), located in coding exon 22 of the WNK2 gene, results from a G to A substitution at nucleotide position 5380. The alanine at codon 1794 is replaced by threonine, an amino acid with similar properties. This amino acid position is conserved. In addition, this alteration is predicted to be tolerated by in silico analysis. Based on the available evidence, the clinical significance of this variant remains unclear.

NM_006648.4(WNK2):c.5380G>A (p.Ala1794Thr)

Gene: WNK2 (WNK lysine deficient protein kinase 2; plus strand). Cytogenetic location: 9q22.31.
Variant type: single nucleotide variant.
Coding change: c.5380G>A on transcript NM_006648.4 (MANE Select); coding-DNA position 5380, G replaced by A.
Protein change: p.Ala1794Thr; replaces alanine 1794 with threonine.
Molecular consequence: missense variant.
Genome position (GRCh38, 1-based): chr9:93,292,845, G>A. VCF-style: chr9-93292845-G-A. GRCh37 (hg19) VCF-style: chr9-96055127-G-A.
Other names: c.5491G>A, p.Ala1831Thr (NM_001282394.3); short protein forms A1794T, A1831T.
Identifiers: ClinVar variation 4605414 (VCV004605414.1).